The following is an entry in ClinVar:

ClinVar aggregate classification (germline): Uncertain significance (1 of 4 stars; one submission).

Conditions:
Progressive sclerosing poliodystrophy (MTDPS4A). Also called: Mitochondrial DNA depletion syndrome 4A (Alpers type); ALPERS PROGRESSIVE INFANTILE POLIODYSTROPHY; NEURONAL DEGENERATION OF CHILDHOOD WITH LIVER DISEASE, PROGRESSIVE; Alpers Syndrome; ALPERS DIFFUSE DEGENERATION OF CEREBRAL GRAY MATTER WITH HEPATIC CIRRHOSIS; Alpers-Huttenlocher Syndrome. Identifiers: Orphanet 726, MedGen C0205710, MONDO:0008758, OMIM 203700.

Submission:

Labcorp Genetics (formerly Invitae), Labcorp
Classification: Uncertain significance for Progressive sclerosing poliodystrophy. Last evaluated: 2023-08-27. Review status: criteria provided, single submitter. Criteria: Invitae Variant Classification Sherloc (09022015). Collection method: clinical testing. Allele origin: germline.
Comment: In summary, the available evidence is currently insufficient to determine the role of this variant in disease. Therefore, it has been classified as a Variant of Uncertain Significance. Advanced modeling of protein sequence and biophysical properties (such as structural, functional, and spatial information, amino acid conservation, physicochemical variation, residue mobility, and thermodynamic stability) performed at Invitae indicates that this missense variant is not expected to disrupt POLG protein function. This variant has not been reported in the literature in individuals affected with POLG-related conditions. This variant is not present in population databases (gnomAD no frequency). This sequence change replaces threonine, which is neutral and polar, with isoleucine, which is neutral and non-polar, at codon 509 of the POLG protein (p.Thr509Ile).

NM_002693.3(POLG):c.1526C>T (p.Thr509Ile)

Gene: POLG (DNA polymerase gamma, catalytic subunit; minus strand). Cytogenetic location: 15q26.1.
Variant type: single nucleotide variant.
Coding change: c.1526C>T on transcript NM_002693.3 (MANE Select); coding-DNA position 1526, C replaced by T.
Protein change: p.Thr509Ile; replaces threonine 509 with isoleucine.
Molecular consequence: missense variant.
Genome position (GRCh38, 1-based): chr15:89,326,971, G>A on the plus strand (C>T on the coding strand, the complement: POLG is on the minus strand). VCF-style: chr15-89326971-G-A. GRCh37 (hg19) VCF-style: chr15-89870202-G-A.
Other names: c.1526C>T, p.Thr509Ile (NM_001126131.2); short protein forms T509I.
Identifiers: ClinVar variation 2853176 (VCV002853176.3), dbSNP rs2509254834, ClinGen allele CA393760817.